The following is an entry in ClinVar:

ClinVar aggregate classification (germline): Conflicting classifications of pathogenicity. Review status: criteria provided, conflicting classifications (1 of 4 stars). 10 submissions from 10 submitters: Pathogenic (2); Likely pathogenic (2); Uncertain significance (5). 1 of the submissions does not count toward it. Last evaluated 2025-12-20.

Conditions:
MYH7-related disorder. Also called: MYH7-related condition; MYH7-related disease; MYH7-related disorders.
Cardiovascular phenotype. Identifiers: MedGen CN230736.
Hypertrophic cardiomyopathy. Also called: HYPERTROPHIC MYOCARDIOPATHY. Identifiers: Orphanet 217569, MedGen C0007194, MeSH D002312, MONDO:0005045, HP:0001639.
Dyspnea. Also called: dyspnoea. Identifiers: MedGen C0013404, HP:0002094.
Cardiomyopathy (CMYO). Also called: Cardiomyopathies. Identifiers: Orphanet 167848, MedGen C0878544, MONDO:0004994, HP:0001638. Inheritance: Various modes of inheritance.
Hypertrophic cardiomyopathy 1 (CMH1). Also called: Familial hypertrophic cardiomyopathy 1; MYH7-Related Familial Hypertrophic Cardiomyopathy. Identifiers: MedGen C3495498, MONDO:0008647, OMIM 192600.
Primary familial hypertrophic cardiomyopathy (HCM). Identifiers: Orphanet 99739, MedGen C0949658, MeSH D024741, MONDO:0024573. Inheritance: Various modes of inheritance.

Allele frequency attached by ClinVar (database versions not stated): gnomAD exomes below 0.00001; ExAC 0.00001.
gnomAD v4.1: 2 of 1,607,664 alleles (0.00012%); highest among the groups gnomAD compares: South Asian, 0.0011%; no homozygotes.

Submissions (10):

Labcorp Genetics (formerly Invitae), Labcorp
Classification: Pathogenic for Hypertrophic cardiomyopathy. Last evaluated: 2025-12-20. Review status: criteria provided, single submitter. Criteria: Invitae Variant Classification Sherloc (09022015). Collection method: clinical testing. Allele origin: germline.
Comment: This sequence change replaces glutamic acid, which is acidic and polar, with lysine, which is basic and polar, at codon 1205 of the MYH7 protein (p.Glu1205Lys). This variant is present in population databases (rs727505026, gnomAD 0.0009%). This missense change has been observed in individuals with hypertrophic cardiomyopathy (PMID: 18258667, 24111713, 26914223, 31737537, 34542152; internal data). ClinVar contains an entry for this variant (Variation ID: 179656). Invitae Evidence Modeling of protein sequence and biophysical properties (such as structural, functional, and spatial information, amino acid conservation, physicochemical variation, residue mobility, and thermodynamic stability) indicates that this missense variant is expected to disrupt MYH7 protein function with a positive predictive value of 95%. For these reasons, this variant has been classified as Pathogenic.

Ambry Genetics
Classification: Likely pathogenic for Cardiovascular phenotype. Last evaluated: 2025-10-01. Review status: criteria provided, single submitter. Criteria: Ambry Variant Classification Scheme 2023. Collection method: clinical testing. Allele origin: germline.
Comment: The p.E1205K variant (also known as c.3613G>A), located in coding exon 25 of the MYH7 gene, results from a G to A substitution at nucleotide position 3613. The glutamic acid at codon 1205 is replaced by lysine, an amino acid with similar properties. This variant was reported in individual(s) with features consistent with hypertrophic or dilated cardiomyopathy (Waldm&uuml;ller S et al. Clin Chem, 2008 Apr;54:682-7; Berge KE et al. Clin Genet, 2014 Oct;86:355-60; Murphy SL et al. J Cardiovasc Transl Res, 2016 Apr;9:153-61; Mademont-Soler I et al. PLoS One, 2017 Aug;12:e0181465; Marschall C et al. Cardiovasc Diagn Ther. 2019 Oct;9(Suppl 2):S292-S298; Park J et al. Hum Mol Genet. 2022 Mar;31(5):827-837; Westphal DS et al. J Cardiovasc Dev Dis. 2022 Jan;9(2); external communication; Ambry internal data). This amino acid position is highly conserved in available vertebrate species. In addition, this alteration is predicted to be deleterious by in silico analysis. This variant is considered to be rare based on population cohorts in the Genome Aggregation Database (gnomAD). Based on the majority of available evidence to date, this variant is likely to be pathogenic.

Color Diagnostics, LLC DBA Color Health
Classification: Uncertain significance for Cardiomyopathy. Last evaluated: 2025-07-24. Review status: criteria provided, single submitter. Criteria: ACMG Guidelines, 2015. Collection method: clinical testing. Allele origin: germline.
Comment: This missense variant replaces glutamic acid with lysine at codon 1205 of the MYH7 protein. Computational prediction suggests that this variant may have a deleterious impact on protein structure and function. To our knowledge, functional studies have not been reported for this variant. This variant has been reported in six unrelated individuals affected with hypertrophic cardiomyopathy (PMID: 18258667, 24111713, 28771489, 26914223, 2793070, 28771489, 35200695). It has also been reported in two individuals affected with dilated cardiomyopathy (PMID: 33552729, 36788754) and in an individual affected with sudden unexplained death (PMID: 27930701). This variant has been identified in 1/249722 chromosomes in the general population by the Genome Aggregation Database (gnomAD). The available evidence is insufficient to determine the role of this variant in disease conclusively. Therefore, this variant is classified as a Variant of Uncertain Significance.

Women's Health and Genetics/Laboratory Corporation of America, LabCorp
Classification: Pathogenic for Primary familial hypertrophic cardiomyopathy. Last evaluated: 2025-04-22. Review status: criteria provided, single submitter. Criteria: LabCorp Variant Classification Summary - May 2015. Collection method: clinical testing. Allele origin: germline.
Comment: Variant summary: MYH7 c.3613G>A (p.Glu1205Lys) results in a conservative amino acid change in the encoded protein sequence. Four of five in-silico tools predict a damaging effect of the variant on protein function. The variant allele was found at a frequency of 4e-06 in 249722 control chromosomes. c.3613G>A has been observed in the heterozygous state in multiple individuals affected with autosomal dominant Hypertrophic Cardiomyopathy (example, Berge_2014, Murphy_2016, Park_2022, Pollmann_2021, Waldmuller_2008, Labcorp Genetics (formerly Invitae)). These data indicate that the variant is very likely to be associated with disease. To our knowledge, no experimental evidence demonstrating an impact on protein function has been reported. The following publications have been ascertained in the context of this evaluation (PMID: 24111713, 33552729, 26914223, 34542152, 34830538, 18258667, 35200695). ClinVar contains an entry for this variant (Variation ID: 179656). Based on the evidence outlined above, the variant was classified as pathogenic.

Institute of Human Genetics, University of Leipzig Medical Center
Classification: Uncertain significance for Hypertrophic cardiomyopathy 1. Last evaluated: 2025-04-09. Review status: criteria provided, single submitter. Criteria: ACMG Guidelines, 2015. Collection method: clinical testing. Allele origin: paternal. Inheritance: Autosomal dominant inheritance. Affected: yes.
Comment: Criteria applied: PS4_SUP,PM2_SUP,PP3

Molecular Diagnostic Laboratory for Inherited Cardiovascular Disease, Montreal Heart Institute
Classification: Uncertain significance for Cardiovascular phenotype. Last evaluated: 2025-04-09. Review status: criteria provided, single submitter. Criteria: ACMG Guidelines, 2015. Collection method: clinical testing. Allele origin: germline. Affected: yes.
Comment: PS4_mod, PM2, PP3

Illumina Laboratory Services, Illumina
Classification: Uncertain significance for Cardiomyopathy. Last evaluated: 2023-10-10. Review status: criteria provided, single submitter. Criteria: ISL SNV Classification Criteria 03 February 2026. Collection method: clinical testing. Allele origin: unknown.
Comment: The MYH7 c.3613G>A p.(Glu1205Lys) missense variant has been identified in the literature in at least six individuals with hypertrophic cardiomyopathy and one individual with dilated cardiomyopathy (PMID: 36788754, 27930701, 28771489, 24111713, 26914223, 34542152, 35200695). This variant is not observed at a significant frequency in version 2.1.1 or version 3.1.2 of the Genome Aggregation Database. Multiple lines of computational evidence suggest the variant may impact the gene or gene product. Based on the available evidence, the c.3613G>A p.(Glu1205Lys) variant is classified as a variant of uncertain significance for MYH7-related cardiomyopathy.

Centre for Mendelian Genomics, University Medical Centre Ljubljana
Classification: Likely pathogenic for Dyspnea; Hypertrophic cardiomyopathy. Last evaluated: 2014-11-28. Review status: criteria provided, single submitter. Criteria: ACMG Guidelines, 2015. Collection method: clinical testing. Allele origin: unknown. Affected: yes.

Laboratory for Molecular Medicine, Mass General Brigham Personalized Medicine
Classification: Uncertain significance. Last evaluated: 2014-04-04. Review status: criteria provided, single submitter. Criteria: LMM Criteria. Collection method: clinical testing. Allele origin: germline. Observed: 1 variant allele.
Comment: Variant classified as Uncertain Significance - Favor Pathogenic. The Glu1205Lys variant in MYH7 has been reported in 1 individual with HCM (Waldmuller 2008) and was absent large population studies (NHLBI Exome Sequencing Project (.). This variant was predicted to be pathogenic using a co mputational tool clinically validated by our laboratory. This tool's pathogenic prediction is estimated to be correct 94% of the time (Jordan 2011). Although th is data supports that the Glu1205Lys variant may be pathogenic, additional studi es are needed to fully assess its clinical significance.

PreventionGenetics, part of Exact Sciences
Classification: Uncertain significance for MYH7-related condition. Last evaluated: 2023-11-22. Review status: no assertion criteria provided. Collection method: clinical testing. Allele origin: germline. Not counted in ClinVar's aggregate classification.
Comment: The MYH7 c.3613G>A variant is predicted to result in the amino acid substitution p.Glu1205Lys. This variant has been reported in at least three individuals with hypertrophic cardiomyopathy, an individual with dilated cardiomyopathy and a case of sudden unexplained death (Table 2, Waldmuller et al. 2008. PubMed ID: 18258667; Table S2, Murphy et al. 2016. PubMed ID: 26914223; Table S6, Park et al. 2022. PubMed ID: 34542152; Table 2, Sanchez et al. 2016. PubMed ID: 27930701; Table S2, Guelly et al. 2021. PubMed ID: 33552729). It has been reported in an arrhythmogenic disorders study; However, no clinical details were provided (Marschall et al. 2019. PubMed ID: 31737537). This variant is reported in 0.00089% of alleles in individuals of European (Non-Finnish) descent in gnomAD. At this time, the clinical significance of this variant is uncertain due to the absence of conclusive functional and genetic evidence.

Literature cited by the submitters: PubMed 18258667 (cited by 5 submitters); PubMed 24111713 (cited by 5 submitters); PubMed 26914223 (cited by 5 submitters); PubMed 31737537 (cited by Labcorp Genetics (formerly Invitae), Labcorp and Ambry Genetics); PubMed 34542152 (cited by 4 submitters); PubMed 27930701 (cited by 3 submitters); PubMed 28771489 (cited by 3 submitters); PubMed 30665703 (cited by Ambry Genetics); PubMed 33552729 (cited by 3 submitters); PubMed 34830538 (cited by Ambry Genetics and Women's Health and Genetics/Laboratory Corporation of America, LabCorp); PubMed 35200695 (cited by 4 submitters); PubMed 36788754 (cited by 3 submitters); PubMed 38691546 (cited by Ambry Genetics); PubMed 2793070 (cited by Color Diagnostics, LLC DBA Color Health).

NM_000257.4(MYH7):c.3613G>A (p.Glu1205Lys)

Gene: MYH7 (myosin heavy chain 7; minus strand). Cytogenetic location: 14q11.2.
Variant type: single nucleotide variant.
Coding change: c.3613G>A on transcript NM_000257.4 (MANE Select); coding-DNA position 3613, G replaced by A.
Protein change: p.Glu1205Lys; replaces glutamic acid 1205 with lysine.
Molecular consequence: missense variant.
Genome position (GRCh38, 1-based): chr14:23,419,958, C>T on the plus strand (G>A on the coding strand, the complement: MYH7 is on the minus strand). VCF-style: chr14-23419958-C-T. GRCh37 (hg19) VCF-style: chr14-23889167-C-T.
Other names: short protein forms E1205K.
Identifiers: ClinVar variation 179656 (VCV000179656.21), dbSNP rs727505026, ClinGen allele CA013863.